The following is an entry in ClinVar:

ClinVar aggregate classification (germline): Pathogenic (1 of 4 stars; one submission).

Submission:

Labcorp Genetics (formerly Invitae), Labcorp
Classification: Pathogenic. Last evaluated: 2023-12-13. Review status: criteria provided, single submitter. Criteria: Invitae Variant Classification Sherloc (09022015). Collection method: clinical testing. Allele origin: germline.
Comment: This sequence change creates a premature translational stop signal (p.Gln218Profs*5) in the CYP19A1 gene. It is expected to result in an absent or disrupted protein product. Loss-of-function variants in CYP19A1 are known to be pathogenic (PMID: 14602738, 27086564, 27256151). This variant is not present in population databases (gnomAD no frequency). This variant has not been reported in the literature in individuals affected with CYP19A1-related conditions. For these reasons, this variant has been classified as Pathogenic.

Literature cited by the submitters: PubMed 14602738; PubMed 27086564; PubMed 27256151.

NM_000103.4(CYP19A1):c.652dup (p.Gln218fs)

Genes: CYP19A1 (cytochrome P450 family 19 subfamily A member 1; minus strand), MIR4713HG (MIR4713 host gene; plus strand), PIRC66 (piwi-interacting RNA cluster 66; plus strand). Cytogenetic location: 15q21.2.
Variant type: Duplication.
Coding change: c.652dup on transcript NM_000103.4 (MANE Select); coding-DNA position 652, one base duplicated (C; older notation c.652dupC).
Protein change: p.Gln218fs; shifts the reading frame from glutamine 218.
Molecular consequence: frameshift variant.
Genome position (GRCh38, 1-based): chr15:51,218,632, G duplicated on the plus strand (C on the coding strand, the reverse complement: CYP19A1 is on the minus strand); the first of 2 consecutive G bases (chr15:51,218,632-51,218,633); duplicating either gives the same sequence. VCF-style (leftmost placement, unchanged base first): chr15-51218631-T-TG. GRCh37 (hg19) VCF-style: chr15-51510828-T-TG.
Other names: c.652dup, p.Gln218fs (NM_031226.3, NM_001347248.1, NM_001347249.2 and 7 more transcripts); short protein forms Q218fs.
Identifiers: ClinVar variation 2765535 (VCV002765535.3), dbSNP rs2542412966, ClinGen allele CA2697549097.